The following is an entry in ClinVar:

NM_001009944.3(PKD1):c.8264T>C (p.Leu2755Pro)

Gene: PKD1 (polycystin 1, transient receptor potential channel interacting; minus strand). Cytogenetic location: 16p13.3.
Variant type: single nucleotide variant.
Coding change: c.8264T>C on transcript NM_001009944.3 (MANE Select); coding-DNA position 8264, T replaced by C.
Protein change: p.Leu2755Pro; replaces leucine 2755 with proline.
Molecular consequence: missense variant.
Genome position (GRCh38, 1-based): chr16:2,103,793, A>G on the plus strand (T>C on the coding strand, the complement: PKD1 is on the minus strand). VCF-style: chr16-2103793-A-G. GRCh37 (hg19) VCF-style: chr16-2153794-A-G.
Other names: c.8264T>C, p.Leu2755Pro (NM_000296.4); short protein forms L2755P.
Identifiers: ClinVar variation 4847559 (VCV004847559.1).

ClinVar aggregate classification (germline): Uncertain significance (1 of 4 stars; one submission).

Submission:

Women's Health and Genetics/Laboratory Corporation of America, LabCorp
Classification: Uncertain significance. Last evaluated: 2026-03-02. Review status: criteria provided, single submitter. Criteria: LabCorp Variant Classification Summary - May 2015. Collection method: clinical testing. Allele origin: germline.
Comment: Variant summary: PKD1 c.8264T>C (p.Leu2755Pro) results in a non-conservative amino acid change in the encoded protein sequence. Algorithms developed to predict the effect of missense changes on protein structure and function are either unavailable or do not agree on the potential impact of this missense change. The variant was absent in 247672 control chromosomes. The available data on variant occurrences in the general population are insufficient to allow any conclusion about variant significance. To our knowledge, no occurrence of c.8264T>C in individuals affected with PKD1-related conditions and no experimental evidence demonstrating its impact on protein function have been reported. No submitters have cited clinical-significance assessments for this variant to ClinVar. Based on the evidence outlined above, the variant was classified as uncertain significance.